The following is an entry in ClinVar:

NM_014336.5(AIPL1):c.289_292del (p.Tyr97fs)

Gene: AIPL1 (AIP like 1 HSP90 co-chaperone; minus strand). Cytogenetic location: 17p13.2.
Variant type: Deletion.
Coding change: c.289_292del on transcript NM_014336.5 (MANE Select); coding-DNA positions 289 to 292, 4 bases deleted (TACC; older notation c.289_292delTACC).
Protein change: p.Tyr97fs; shifts the reading frame from tyrosine 97.
Molecular consequence: frameshift variant. On other transcripts: intron variant (1).
Genome position (GRCh38, 1-based): chr17:6,428,491-6,428,494, GGTA deleted on the plus strand (TACC on the coding strand, the reverse complement: AIPL1 is on the minus strand); deleting any 4 consecutive bases within chr17:6,428,491-6,428,495 gives the same sequence; the c. name uses the placement nearest the transcript's 3' end. VCF-style (leftmost placement, unchanged base first): chr17-6428490-GGGTA-G. GRCh37 (hg19) VCF-style: chr17-6331810-GGGTA-G.
Other names: c.109_112del, p.Tyr37fs (NM_001033055.3); c.253_256del, p.Tyr85fs (NM_001285399.3); c.223_226del, p.Tyr75fs (NM_001285400.3); c.289_292del, p.Tyr97fs (NM_001285401.3, NM_001285403.4); c.172_175del, p.Tyr58fs (NM_001285402.2); c.277-1437_277-1434del (NM_001033054.3); short protein forms Y37fs, Y58fs, Y85fs, Y75fs, Y97fs.
Identifiers: ClinVar variation 2843538 (VCV002843538.3), dbSNP rs2543893959, ClinGen allele CA2635690226.

ClinVar aggregate classification (germline): Pathogenic (1 of 4 stars; one submission).

Conditions:
Leber congenital amaurosis 4 (LCA4). Identifiers: MedGen C1858386, MONDO:0011458, OMIM 604393.

Submission:

Labcorp Genetics (formerly Invitae), Labcorp
Classification: Pathogenic for Leber congenital amaurosis 4. Last evaluated: 2023-03-13. Review status: criteria provided, single submitter. Criteria: Invitae Variant Classification Sherloc (09022015). Collection method: clinical testing. Allele origin: germline.
Comment: For these reasons, this variant has been classified as Pathogenic. This variant has not been reported in the literature in individuals affected with AIPL1-related conditions. This variant is not present in population databases (gnomAD no frequency). This sequence change creates a premature translational stop signal (p.Tyr97Profs*7) in the AIPL1 gene. It is expected to result in an absent or disrupted protein product. Loss-of-function variants in AIPL1 are known to be pathogenic (PMID: 10615133, 15249368, 15347646).

Literature cited by the submitters: PubMed 10615133; PubMed 15249368; PubMed 15347646.